The following is an entry in ClinVar:

NM_001458.5(FLNC):c.4910_4916del (p.Ser1637fs)

Gene: FLNC (filamin C; plus strand). Cytogenetic location: 7q32.1.
Variant type: Deletion.
Coding change: c.4910_4916del on transcript NM_001458.5 (MANE Select); coding-DNA positions 4910 to 4916, 7 bases deleted (GCAAGTG; older notation c.4910_4916delGCAAGTG).
Protein change: p.Ser1637fs; shifts the reading frame from serine 1637.
Molecular consequence: frameshift variant.
Genome position (GRCh38, 1-based): chr7:128,848,965-128,848,971, GCAAGTG deleted. VCF-style (leftmost placement, unchanged base first): chr7-128848964-AGCAAGTG-A. GRCh37 (hg19) VCF-style: chr7-128489018-AGCAAGTG-A.
Other names: c.4910_4916del, p.Ser1637fs (NM_001127487.2); short protein forms S1637fs.
Identifiers: ClinVar variation 4855224 (VCV004855224.1).

ClinVar aggregate classification (germline): Likely pathogenic (1 of 4 stars; one submission).

Conditions:
Hypertrophic cardiomyopathy 26. Also called: Cardiomyopathy, familial hypertrophic, 26. Identifiers: Orphanet 75249, MedGen C4310749, MONDO:0014883, OMIM 617047.

Submission:

3billion
Classification: Likely pathogenic for Hypertrophic cardiomyopathy 26. Last evaluated: 2025-07-22. Review status: criteria provided, single submitter. Criteria: ACMG Guidelines, 2015. Collection method: clinical testing. Allele origin: germline. Affected: yes.
Comment: The variant is not observed in the gnomAD v4.1.0 dataset. Predicted Consequence/Location: Frameshift: predicted to result in a loss or disruption of normal protein function through nonsense-mediated decay (NMD) or protein truncation. Multiple pathogenic variants are reported downstream of the variant. Therefore, this variant is classified as Likely pathogenic according to the recommendation of ACMG/AMP guideline.